The following is an entry in ClinVar:

ClinVar aggregate classification (germline): Uncertain significance. Review status: criteria provided, multiple submitters, no conflicts (2 of 4 stars). 3 submissions from 3 submitters: Uncertain significance (3). Last evaluated 2025-03-17.

Allele frequency attached by ClinVar (database versions not stated): gnomAD 0.00001; gnomAD exomes 0.00001.
gnomAD v4.1: 22 of 1,614,046 alleles (0.0014%); highest among the groups gnomAD compares: Admixed American, 0.0033%; no homozygotes.

Submissions (3):

Revvity Omics, Revvity
Classification: Uncertain significance. Last evaluated: 2025-03-17. Review status: criteria provided, single submitter. Criteria: ACMG Guidelines, 2015. Collection method: clinical testing. Allele origin: germline.

Labcorp Genetics (formerly Invitae), Labcorp
Classification: Uncertain significance. Last evaluated: 2022-07-12. Review status: criteria provided, single submitter. Criteria: Invitae Variant Classification Sherloc (09022015). Collection method: clinical testing. Allele origin: germline.
Comment: In summary, the available evidence is currently insufficient to determine the role of this variant in disease. Therefore, it has been classified as a Variant of Uncertain Significance. Algorithms developed to predict the effect of missense changes on protein structure and function are either unavailable or do not agree on the potential impact of this missense change (SIFT: "Not Available"; PolyPhen-2: "Probably Damaging"; Align-GVGD: "Not Available"). ClinVar contains an entry for this variant (Variation ID: 1475790). This variant has not been reported in the literature in individuals affected with FN1-related conditions. This variant is present in population databases (no rsID available, gnomAD 0.006%). This sequence change replaces valine, which is neutral and non-polar, with methionine, which is neutral and non-polar, at codon 921 of the FN1 protein (p.Val921Met).

Blueprint Genetics
Classification: Uncertain significance. Last evaluated: 2020-03-04. Review status: criteria provided, single submitter. Criteria: ACMG Guidelines, 2015. Collection method: clinical testing. Allele origin: germline.

NM_212482.4(FN1):c.2761G>A (p.Val921Met)

Gene: FN1 (fibronectin 1; minus strand). Cytogenetic location: 2q35.
Variant type: single nucleotide variant.
Coding change: c.2761G>A on transcript NM_212482.4 (MANE Select); coding-DNA position 2761, G replaced by A.
Protein change: p.Val921Met; replaces valine 921 with methionine.
Molecular consequence: missense variant.
Genome position (GRCh38, 1-based): chr2:215,406,463, C>T on the plus strand (G>A on the coding strand, the complement: FN1 is on the minus strand). VCF-style: chr2-215406463-C-T. GRCh37 (hg19) VCF-style: chr2-216271186-C-T.
Other names: c.2761G>A, p.Val921Met (NM_001306129.2, NM_001306130.2, NM_001306131.2 and 13 more transcripts); c.2761G>A (NM_212482.3); short protein forms V921M.
Identifiers: ClinVar variation 1475790 (VCV001475790.10), dbSNP rs1233932664, ClinGen allele CA350490085.
Genomic context (GRCh38, chr2:215,406,463, plus strand): 5'-CATCCACACGGTAGCCGGTCACTGCACTCTCAGGCGGTGTCCACATGATGGTGACCTTCA[C>T]GTCTGTCACTTCCACAAACTGCAGGTCCCTGGGAGAGGGCACTGTATCTGACAGACAAGA-3'
Protein context (NP_997647.2, residues 911-931): RDLQFVEVTD[Val921Met]KVTIMWTPPE